The following is an entry in ClinVar:

NM_005765.3(ATP6AP2):c.496A>T (p.Ser166Cys)

Gene: ATP6AP2 (ATPase H+ transporting accessory protein 2; plus strand). Cytogenetic location: Xp11.4.
Variant type: single nucleotide variant.
Coding change: c.496A>T on transcript NM_005765.3 (MANE Select); coding-DNA position 496, A replaced by T.
Protein change: p.Ser166Cys; replaces serine 166 with cysteine.
Molecular consequence: missense variant.
Genome position (GRCh38, 1-based): chrX:40,597,626, A>T. VCF-style: chrX-40597626-A-T. GRCh37 (hg19) VCF-style: chrX-40456878-A-T.
Other names: short protein forms S166C.
Identifiers: ClinVar variation 1056573 (VCV001056573.7), dbSNP rs760027081, ClinGen allele CA10387220.

ClinVar aggregate classification (germline): Uncertain significance (1 of 4 stars; one submission).

Conditions:
Intellectual developmental disorder, X-linked, syndromic, Hedera type. Also called: Syndromic X-linked intellectual disability Hedera type. Identifiers: Orphanet 93952, MedGen C1845543, MONDO:0010319, OMIM 300423.

Allele frequency attached by ClinVar (database versions not stated): gnomAD exomes 0.00001 and 0.00004; ExAC 0.00001; gnomAD 0.00001; TOPMed 0.00001.
gnomAD v4.1: 48 of 1,207,968 alleles (0.004%); highest among the groups gnomAD compares: Non-Finnish European, 0.0054%; no homozygotes.

Submission:

Labcorp Genetics (formerly Invitae), Labcorp
Classification: Uncertain significance for Intellectual developmental disorder, X-linked, syndromic, Hedera type. Last evaluated: 2021-09-29. Review status: criteria provided, single submitter. Criteria: Invitae Variant Classification Sherloc (09022015). Collection method: clinical testing. Allele origin: germline.
Comment: In summary, the available evidence is currently insufficient to determine the role of this variant in disease. Therefore, it has been classified as a Variant of Uncertain Significance. Algorithms developed to predict the effect of missense changes on protein structure and function are either unavailable or do not agree on the potential impact of this missense change (SIFT: "Deleterious"; PolyPhen-2: "Benign"; Align-GVGD: "Class C15"). This variant has not been reported in the literature in individuals affected with ATP6AP2-related conditions. This variant is present in population databases (rs760027081, ExAC 0.002%). This sequence change replaces serine with cysteine at codon 166 of the ATP6AP2 protein (p.Ser166Cys). The serine residue is weakly conserved and there is a moderate physicochemical difference between serine and cysteine.